The following is an entry in ClinVar:

NM_138694.4(PKHD1):c.4547C>T (p.Pro1516Leu)

Gene: PKHD1 (PKHD1 ciliary IPT domain containing fibrocystin/polyductin; minus strand). Cytogenetic location: 6p12.2.
Variant type: single nucleotide variant.
Coding change: c.4547C>T on transcript NM_138694.4 (MANE Select); coding-DNA position 4547, C replaced by T.
Protein change: p.Pro1516Leu; replaces proline 1516 with leucine.
Molecular consequence: missense variant.
Genome position (GRCh38, 1-based): chr6:52,025,263, G>A on the plus strand (C>T on the coding strand, the complement: PKHD1 is on the minus strand). VCF-style: chr6-52025263-G-A. GRCh37 (hg19) VCF-style: chr6-51890061-G-A.
Other names: c.4547C>T, p.Pro1516Leu (NM_170724.3); short protein forms P1516L.
Identifiers: ClinVar variation 598212 (VCV000598212.22), dbSNP rs200278368, ClinGen allele CA3852703.

ClinVar aggregate classification (germline): Conflicting classifications of pathogenicity. Review status: criteria provided, conflicting classifications (1 of 4 stars). 6 submissions from 6 submitters: Uncertain significance (4); Likely benign (2). Last evaluated 2025-12-22.

Conditions:
PKHD1-related disorder. Also called: PKHD1-related condition.
Polycystic kidney disease 4 (PKD4). Also called: POLYCYSTIC KIDNEY DISEASE 4 WITH OR WITHOUT POLYCYSTIC LIVER DISEASE; Autosomal Recessive Polycystic Kidney Disease – PKHD1; POLYCYSTIC KIDNEY AND HEPATIC DISEASE 1; POLYCYSTIC KIDNEY DISEASE, INFANTILE, TYPE I; PKD3. Identifiers: MedGen C4540575, MONDO:0033004, OMIM 263200.
Inborn genetic diseases. Identifiers: MedGen C0950123, MeSH D030342.
Autosomal recessive polycystic kidney disease (ARPKD). Also called: AR polycystic kidney disease. Identifiers: Orphanet 731, Orphanet 8378, MedGen C0085548, MeSH D017044, MONDO:0009889.

Allele frequency attached by ClinVar (database versions not stated): gnomAD 0.00005 and 0.00006; TOPMed 0.00006; ESP Exome Variant Server 0.00008; gnomAD exomes 0.00008; ExAC 0.00010.
gnomAD v4.1: 105 of 1,613,840 alleles (0.0065%); highest among the groups gnomAD compares: Middle Eastern, 0.033%; no homozygotes.

Submissions (6):

PreventionGenetics, part of Exact Sciences
Classification: Uncertain significance for PKHD1-related condition. Last evaluated: 2025-12-22. Review status: criteria provided, single submitter. Criteria: ACMG Guidelines, 2015. Collection method: clinical testing. Allele origin: germline.
Comment: The PKHD1 c.4547C>T variant is predicted to result in the amino acid substitution p.Pro1516Leu. To our knowledge, this variant has not been reported in the literature. This variant is reported in 0.012% of alleles in individuals of European (Non-Finnish) descent in gnomAD. At this time, the clinical significance of this variant is uncertain due to the absence of conclusive functional and genetic evidence.

Ambry Genetics
Classification: Likely benign for Inborn genetic diseases. Last evaluated: 2025-08-10. Review status: criteria provided, single submitter. Criteria: Ambry Variant Classification Scheme 2023. Collection method: clinical testing. Allele origin: germline.

Labcorp Genetics (formerly Invitae), Labcorp
Classification: Likely benign for Autosomal recessive polycystic kidney disease. Last evaluated: 2024-10-30. Review status: criteria provided, single submitter. Criteria: Invitae Variant Classification Sherloc (09022015). Collection method: clinical testing. Allele origin: germline.

Genome-Nilou Lab
Classification: Uncertain significance for Polycystic kidney disease 4. Last evaluated: 2021-05-18. Review status: criteria provided, single submitter. Criteria: ACMG Guidelines, 2015. Collection method: clinical testing. Allele origin: germline. Affected: no.

Eurofins Ntd Llc (ga)
Classification: Uncertain significance. Last evaluated: 2018-07-31. Review status: criteria provided, single submitter. Criteria: EGL ClinVar v180209 classification definitions. Collection method: clinical testing. Allele origin: germline. Observed: 2 variant alleles, 2 heterozygotes.

Illumina Laboratory Services, Illumina
Classification: Uncertain significance for Polycystic kidney disease 4. Last evaluated: 2017-04-28. Review status: criteria provided, single submitter. Criteria: ICSL Variant Classification Criteria 13 December 2019. Collection method: clinical testing. Allele origin: germline.